The following is an entry in ClinVar:

NM_000142.5(FGFR3):c.749C>T (p.Pro250Leu)

Gene: FGFR3 (fibroblast growth factor receptor 3; plus strand). Cytogenetic location: 4p16.3.
Variant type: single nucleotide variant.
Coding change: c.749C>T on transcript NM_000142.5 (MANE Select); coding-DNA position 749, C replaced by T.
Protein change: p.Pro250Leu; replaces proline 250 with leucine.
Molecular consequence: missense variant. On other transcripts: non-coding transcript variant (1).
Genome position (GRCh38, 1-based): chr4:1,801,844, C>T. VCF-style: chr4-1801844-C-T. GRCh37 (hg19) VCF-style: chr4-1803571-C-T.
Other names: c.749C>T, p.Pro250Leu (NM_001163213.2, NM_001354809.2, NM_001354810.2 and 1 more transcripts); short protein forms P250L.
Identifiers: ClinVar variation 533893 (VCV000533893.19), dbSNP rs4647924, ClinGen allele CA355975843.

ClinVar aggregate classification (germline): Conflicting classifications of pathogenicity. Review status: criteria provided, conflicting classifications (1 of 4 stars). 6 submissions from 6 submitters: Likely pathogenic (2); Uncertain significance (4). Last evaluated 2026-06-23.

Conditions:
FGFR3-related chondrodysplasia. Identifiers: Orphanet 93420, MedGen C5681604, MONDO:0019685.
FGFR3-related disorder. Also called: FGFR3-related disorders.

Allele frequency attached by ClinVar (database versions not stated): TOPMed 0.00001.

Submissions (6):

Genomenon, Inc
Classification: Likely pathogenic for FGFR3-related chondrodysplasia. Last evaluated: 2026-06-23. Review status: criteria provided, single submitter. Criteria: Genomenon Sequence Variant Interpretation Standards - Updated. Collection method: curation. Allele origin: germline. Affected: yes.
Comment: FGFR3 p.Pro250Leu (c.749C>T) is a missense variant that changes the amino acid at codon 250 from Proline to Leucine. This variant has been observed in at least one proband with an FGFR3-related disorder (PMID:12362036). This variant is located in a mutational hotspot and/or important functional domain. It is absent or not present at a significant frequency in gnomAD. In silico models predict that this variant is possibly or probably damaging. In conclusion, we classify FGFR3 p.Pro250Leu (c.749C>T) as a likely pathogenic variant.

CeGaT Center for Human Genetics Tuebingen
Classification: Likely pathogenic. Last evaluated: 2025-04-01. Review status: criteria provided, single submitter. Criteria: CeGaT Center For Human Genetics Tuebingen Variant Classification Criteria Version 2. Collection method: clinical testing. Allele origin: germline. Affected: yes. Observed: 1 variant allele.
Comment: FGFR3: PM5, PS2:Moderate, PP3, PS4:Supporting

3billion
Classification: Uncertain significance for FGFR3-related disorder. Last evaluated: 2025-02-20. Review status: criteria provided, single submitter. Criteria: ACMG Guidelines, 2015. Collection method: clinical testing. Allele origin: germline. Affected: yes.
Comment: The variant is observed at an extremely low frequency in the gnomAD v4.1.0 dataset (total allele frequency: <0.001%). Predicted Consequence/Location: Missense variant. Missense changes are a common disease-causing mechanism. In silico tool predictions suggest damaging effect of the variant on gene or gene product [REVEL: 0.80 (>=0.6, sensitivity 0.68 and specificity 0.92); 3Cnet: 0.88 (>=0.6, sensitivity 0.72 and precision 0.9)]. The same nucleotide change resulting in the same amino acid change has been previously reported to be associated with FGFR3-related disorder (PMID: 12362036). However, the evidence of pathogenicity is insufficient at this time. Different missense changes at the same codon (p.Pro250Arg, p.Pro250Thr) have been reported as pathogenic/likely pathogenic with strong evidence (ClinVar ID: VCV000016340 /PMID: 31721094, 8841188 /3billion dataset). Therefore, this variant is classified as VUS according to the recommendation of ACMG/AMP guideline.

GeneDx
Classification: Uncertain significance. Last evaluated: 2024-12-05. Review status: criteria provided, single submitter. Criteria: GeneDx Variant Classification Process June 2021. Collection method: clinical testing. Allele origin: germline. Affected: yes.
Comment: In silico analysis supports that this missense variant has a deleterious effect on protein structure/function; This variant is associated with the following publications: (PMID: 20824703, 30048571, 14577033, 12362036)

Labcorp Genetics (formerly Invitae), Labcorp
Classification: Uncertain significance. Last evaluated: 2024-10-02. Review status: criteria provided, single submitter. Criteria: Invitae Variant Classification Sherloc (09022015). Collection method: clinical testing. Allele origin: germline.
Comment: This sequence change replaces proline, which is neutral and non-polar, with leucine, which is neutral and non-polar, at codon 250 of the FGFR3 protein (p.Pro250Leu). This variant is present in population databases (no rsID available, gnomAD 0.004%). This missense change has been observed in individual(s) with clinical features of FGFR3-related conditions (PMID: 12362036). ClinVar contains an entry for this variant (Variation ID: 533893). Invitae Evidence Modeling of protein sequence and biophysical properties (such as structural, functional, and spatial information, amino acid conservation, physicochemical variation, residue mobility, and thermodynamic stability) indicates that this missense variant is expected to disrupt FGFR3 protein function with a positive predictive value of 80%. This variant disrupts the p.Pro250 amino acid residue in FGFR3. Other variant(s) that disrupt this residue have been determined to be pathogenic (PMID: 9042914, 10094188, 10861678, 15915095, 26740388). This suggests that this residue is clinically significant, and that variants that disrupt this residue are likely to be disease-causing. In summary, the available evidence is currently insufficient to determine the role of this variant in disease. Therefore, it has been classified as a Variant of Uncertain Significance.

PreventionGenetics, part of Exact Sciences
Classification: Uncertain significance for FGFR3-related condition. Last evaluated: 2022-10-08. Review status: criteria provided, single submitter. Criteria: ACMG Guidelines, 2015. Collection method: clinical testing. Allele origin: germline.
Comment: The FGFR3 c.749C>T variant is predicted to result in the amino acid substitution p.Pro250Leu. This variant is reported in 0.0041% of alleles in individuals of European (Finnish) descent in gnomAD. A different missense variant affecting the same amino acid is a common cause of isolated craniosynostosis (see for example, Kruszka. 2016. PubMed ID: 26740388 ). Although we suspect that this variant may be pathogenic, at this time, the clinical significance is uncertain due to the absence of conclusive functional and genetic evidence.

Literature cited by the submitters: PubMed 12362036 (cited by 3 submitters); PubMed 38522067 (cited by Genomenon, Inc); PubMed 20824703 (cited by Genomenon, Inc); PubMed 30048571 (cited by Genomenon, Inc); PubMed 25728633 (cited by Genomenon, Inc); PubMed 17992550 (cited by Genomenon, Inc); PubMed 29150894 (cited by Genomenon, Inc); PubMed 26910679 (cited by Genomenon, Inc); PubMed 22038757 (cited by Genomenon, Inc); PubMed 17621648 (cited by Genomenon, Inc); PubMed 18391498 (cited by Genomenon, Inc); PubMed 20592905 (cited by Genomenon, Inc); PubMed 31721094 (cited by 3billion); PubMed 9042914 (cited by Labcorp Genetics (formerly Invitae), Labcorp); PubMed 10094188 (cited by Labcorp Genetics (formerly Invitae), Labcorp); PubMed 10861678 (cited by Labcorp Genetics (formerly Invitae), Labcorp); PubMed 15915095 (cited by Labcorp Genetics (formerly Invitae), Labcorp); PubMed 26740388 (cited by Labcorp Genetics (formerly Invitae), Labcorp).